The following is an entry in ClinVar:

NM_002444.3(MSN):c.1030A>T (p.Lys344Ter)

Gene: MSN (moesin; plus strand). Cytogenetic location: Xq12.
Variant type: single nucleotide variant.
Coding change: c.1030A>T on transcript NM_002444.3 (MANE Select); coding-DNA position 1030, A replaced by T.
Protein change: p.Lys344Ter; replaces lysine 344 with a stop codon.
Molecular consequence: nonsense.
Genome position (GRCh38, 1-based): chrX:65,736,865, A>T. VCF-style: chrX-65736865-A-T. GRCh37 (hg19) VCF-style: chrX-64956727-A-T.
Other names: short protein forms K344*.
Identifiers: ClinVar variation 1305859 (VCV001305859.2), dbSNP rs2147518525, ClinGen allele CA413413086.

ClinVar aggregate classification (germline): Uncertain significance (1 of 4 stars; one submission).

Submission:

GeneDx
Classification: Uncertain significance. Last evaluated: 2019-05-24. Review status: criteria provided, single submitter. Criteria: GeneDx Variant Classification Process June 2021. Collection method: clinical testing. Allele origin: germline. Affected: yes.
Comment: Not observed in large population cohorts (Lek et al., 2016); Nonsense variant predicted to result in protein truncation or nonsense mediated decay in a gene for which loss-of-function is not a known mechanism of disease; Has not been previously published as pathogenic or benign to our knowledge